The following is an entry in ClinVar:

ClinVar aggregate classification (germline): Likely benign (1 of 4 stars; one submission).

gnomAD v4.1: 3 of 1,608,846 alleles (0.00019%); highest among the groups gnomAD compares: Non-Finnish European, 0.00025%; no homozygotes.

Submission:

CeGaT Center for Human Genetics Tuebingen
Classification: Likely benign. Last evaluated: 2025-02-01. Review status: criteria provided, single submitter. Criteria: CeGaT Center For Human Genetics Tuebingen Variant Classification Criteria Version 2. Collection method: clinical testing. Allele origin: germline. Affected: yes. Observed: 1 variant allele.
Comment: TAF15: BP4, BP7

NM_139215.3(TAF15):c.1479C>T (p.Gly493=)

Gene: TAF15 (TATA-box binding protein associated factor 15; plus strand). Cytogenetic location: 17q12.
Variant type: single nucleotide variant.
Coding change: c.1479C>T on transcript NM_139215.3 (MANE Select); coding-DNA position 1479, C replaced by T.
Protein change: p.Gly493=; no amino-acid change (glycine 493 retained).
Molecular consequence: synonymous variant.
Genome position (GRCh38, 1-based): chr17:35,844,778, C>T. VCF-style: chr17-35844778-C-T. GRCh37 (hg19) VCF-style: chr17-34171782-C-T.
Other names: c.1470C>T, p.Gly490= (NM_003487.4).
Identifiers: ClinVar variation 3771214 (VCV003771214.13).